The following is an entry in ClinVar:

NM_017777.4(MKS1):c.904G>A (p.Asp302Asn)

Gene: MKS1 (MKS transition zone complex subunit 1; minus strand). Cytogenetic location: 17q22.
Variant type: single nucleotide variant.
Coding change: c.904G>A on transcript NM_017777.4 (MANE Select); coding-DNA position 904, G replaced by A.
Protein change: p.Asp302Asn; replaces aspartic acid 302 with asparagine.
Molecular consequence: missense variant.
Genome position (GRCh38, 1-based): chr17:58,212,389, C>T on the plus strand (G>A on the coding strand, the complement: MKS1 is on the minus strand). VCF-style: chr17-58212389-C-T. GRCh37 (hg19) VCF-style: chr17-56289750-C-T.
Other names: c.295G>A, p.Asp99Asn (NM_001321268.2); c.904G>A, p.Asp302Asn (NM_001321269.2, NM_001330397.2); short protein forms D302N, D99N.
Identifiers: ClinVar variation 546363 (VCV000546363.7), dbSNP rs750025608, ClinGen allele CA8669364.

ClinVar aggregate classification (germline): Uncertain significance. Review status: criteria provided, multiple submitters, no conflicts (2 of 4 stars). 5 submissions from 5 submitters: Uncertain significance (3). 2 of the submissions do not count toward it. Last evaluated 2025-07-08.

Conditions:
Meckel-Gruber syndrome. Also called: DYSENCEPHALIA SPLANCHNOCYSTICA; GRUBER SYNDROME; Dysencephalia splachnocystica. Identifiers: Orphanet 564, MedGen C0265215, MONDO:0018921.
Joubert syndrome. Also called: JOUBERT-BOLTSHAUSER SYNDROME; Familial aplasia of the vermis. Identifiers: Orphanet 475, MedGen C5979921, MONDO:0018772.
Meckel syndrome, type 1 (MKS1). Also called: MECKEL-GRUBER SYNDROME, TYPE 1. Identifiers: Orphanet 564, MedGen C3714506, MONDO:0009571, OMIM 249000.
MKS1-related disorder. Also called: MKS1-related condition; MKS1-related disorders. Identifiers: MedGen CN239382.
Inborn genetic diseases. Identifiers: MedGen C0950123, MeSH D030342.

Allele frequency attached by ClinVar (database versions not stated): gnomAD exomes below 0.00001 and 0.00001; ExAC 0.00001; gnomAD 0.00003; TOPMed 0.00003.
gnomAD v4.1: 20 of 1,614,056 alleles (0.0012%); highest among the groups gnomAD compares: African/African-American, 0.0067%; no homozygotes.

Submissions (5):

Ambry Genetics
Classification: Uncertain significance for Inborn genetic diseases. Last evaluated: 2025-07-08. Review status: criteria provided, single submitter. Criteria: Ambry Variant Classification Scheme 2023. Collection method: clinical testing. Allele origin: germline.

Labcorp Genetics (formerly Invitae), Labcorp
Classification: Uncertain significance for Joubert syndrome; Meckel-Gruber syndrome. Last evaluated: 2021-08-30. Review status: criteria provided, single submitter. Criteria: Invitae Variant Classification Sherloc (09022015). Collection method: clinical testing. Allele origin: germline.
Comment: This sequence change replaces aspartic acid with asparagine at codon 302 of the MKS1 protein (p.Asp302Asn). The aspartic acid residue is moderately conserved and there is a small physicochemical difference between aspartic acid and asparagine. This variant is present in population databases (rs750025608, ExAC 0.006%). This variant has not been reported in the literature in individuals affected with MKS1-related conditions. Algorithms developed to predict the effect of missense changes on protein structure and function are either unavailable or do not agree on the potential impact of this missense change (SIFT: "Deleterious"; PolyPhen-2: "Benign"; Align-GVGD: "Class C0"). In summary, the available evidence is currently insufficient to determine the role of this variant in disease. Therefore, it has been classified as a Variant of Uncertain Significance.

GeneDx
Classification: Uncertain significance. Last evaluated: 2018-05-14. Review status: criteria provided, single submitter. Criteria: GeneDx Variant Classification (06012015). Collection method: clinical testing. Allele origin: germline. Affected: yes.
Comment: The D302N variant has not been published as a pathogenic variant, nor has it been reported as a benign variant to our knowledge. The D302N variant is not observed at a significant frequency in large population cohorts (Lek et al., 2016). The D302N variant is a semi-conservative amino acid substitution, which may impact secondary protein structure as these residues differ in some properties. However, in-silico analyses, including protein predictors and evolutionary conservation, support that this variant does not alter protein structure/function. Therefore, based on the currently available information, it is unclear whether this variant is a pathogenic variant or a rare benign variant.

PreventionGenetics, part of Exact Sciences
Classification: Uncertain significance for MKS1-related condition. Last evaluated: 2024-08-21. Review status: no assertion criteria provided. Collection method: clinical testing. Allele origin: germline. Not counted in ClinVar's aggregate classification.
Comment: The MKS1 c.904G>A variant is predicted to result in the amino acid substitution p.Asp302Asn. To our knowledge, this variant has not been reported in the literature. This variant is reported in 0.0033% of alleles in individuals of South Asian descent in gnomAD. At this time, the clinical significance of this variant is uncertain due to the absence of conclusive functional and genetic evidence.

Natera, Inc.
Classification: Uncertain significance for Meckel syndrome type 1. Last evaluated: 2020-09-16. Review status: no assertion criteria provided. Collection method: clinical testing. Allele origin: germline. Not counted in ClinVar's aggregate classification.